The following is an entry in ClinVar:

ClinVar aggregate classification (germline): Pathogenic (1 of 4 stars; one submission).

Submission:

Labcorp Genetics (formerly Invitae), Labcorp
Classification: Pathogenic. Last evaluated: 2022-04-08. Review status: criteria provided, single submitter. Criteria: Invitae Variant Classification Sherloc (09022015). Collection method: clinical testing. Allele origin: germline.
Comment: For these reasons, this variant has been classified as Pathogenic. Algorithms developed to predict the effect of sequence changes on RNA splicing suggest that this variant may disrupt the consensus splice site. This variant has not been reported in the literature in individuals affected with TCIRG1-related conditions. This variant is not present in population databases (gnomAD no frequency). This sequence change creates a premature translational stop signal (p.Ser27Glufs*28) in the TCIRG1 gene. It is expected to result in an absent or disrupted protein product. Loss-of-function variants in TCIRG1 are known to be pathogenic (PMID: 10888887, 10942435, 11532986, 19448635).

Literature cited by the submitters: PubMed 10888887; PubMed 10942435; PubMed 11532986; PubMed 19448635.

NM_006019.4(TCIRG1):c.77dup (p.Ser27fs)

Gene: TCIRG1 (T cell immune regulator 1, ATPase H+ transporting V0 subunit a3; plus strand). Cytogenetic location: 11q13.2.
Variant type: Duplication.
Coding change: c.77dup on transcript NM_006019.4 (MANE Select); coding-DNA position 77, one base duplicated (T; older notation c.77dupT).
Protein change: p.Ser27fs; shifts the reading frame from serine 27.
Molecular consequence: frameshift variant. On other transcripts: 5 prime UTR variant (1).
Genome position (GRCh38, 1-based): chr11:68,041,348, T duplicated. VCF-style (leftmost placement, unchanged base first): chr11-68041347-G-GT. GRCh37 (hg19) VCF-style: chr11-67808814-G-GT.
Other names: c.-1173dup (NM_001351059.2); short protein forms S27fs.
Identifiers: ClinVar variation 2090858 (VCV002090858.4), dbSNP rs2495606969, ClinGen allele CA2580084708.
Genomic context (GRCh38, chr11:68,041,347, plus strand): 5'-CGGAGCGAGGAGGTGGCCCTGGTCCAGCTCTTTCTGCCCACAGCGGCTGCCTACACCTGC[G>GT]TGAGTCGGCTGGGCGAGCTGGGCCTCGTGGAGTTCAGAGACGTGAGTTGGGTGGGCAGGC-3'